The following is an entry in ClinVar:

ClinVar aggregate classification (germline): Uncertain significance. Review status: criteria provided, multiple submitters, no conflicts (2 of 4 stars). 2 submissions from 2 submitters: Uncertain significance (2). Last evaluated 2026-06-10.

Conditions:
Familial thoracic aortic aneurysm and aortic dissection (TAAD). Also called: Thoracic aortic aneurysms and dissections. Identifiers: Orphanet 91387, MedGen C4707243, MONDO:0019625.

gnomAD v4.1: 2 of 1,613,914 alleles (0.00012%); highest among the groups gnomAD compares: South Asian, 0.0022%; no homozygotes.

Submissions (2):

Ambry Genetics
Classification: Uncertain significance for Familial thoracic aortic aneurysm and aortic dissection. Last evaluated: 2026-06-10. Review status: criteria provided, single submitter. Criteria: Ambry Variant Classification Scheme 2023. Collection method: clinical testing. Allele origin: germline.

Color Diagnostics, LLC DBA Color Health
Classification: Uncertain significance for Familial thoracic aortic aneurysm and aortic dissection. Last evaluated: 2025-08-10. Review status: criteria provided, single submitter. Criteria: ACMG Guidelines, 2015. Collection method: clinical testing. Allele origin: germline.
Comment: This missense variant replaces proline with serine at codon 1281 of the COL3A1 protein. Computational prediction suggests that this variant may have deleterious impact on protein structure and function. To our knowledge, functional studies have not been reported for this variant. This variant has not been reported in individuals affected with COL3A1-related disorders in the literature. This variant has not been identified in the general population by the Genome Aggregation Database (gnomAD). The available evidence is insufficient to determine the role of this variant in disease conclusively. Therefore, this variant is classified as a Variant of Uncertain Significance.

NM_000090.4(COL3A1):c.3841C>T (p.Pro1281Ser)

Gene: COL3A1 (collagen type III alpha 1 chain; plus strand). Cytogenetic location: 2q32.2.
Variant type: single nucleotide variant.
Coding change: c.3841C>T on transcript NM_000090.4 (MANE Select); coding-DNA position 3841, C replaced by T.
Protein change: p.Pro1281Ser; replaces proline 1281 with serine.
Molecular consequence: missense variant.
Genome position (GRCh38, 1-based): chr2:189,010,195, C>T. VCF-style: chr2-189010195-C-T. GRCh37 (hg19) VCF-style: chr2-189874921-C-T.
Other names: short protein forms P1281S.
Identifiers: ClinVar variation 4756185 (VCV004756185.2).
Genomic context (GRCh38, chr2:189,010,195, plus strand): 5'-TGGATTTTATAACCAATTCCCATTCTTTTTTGTGACTATTCAGGAGAATACTGGGTTGAC[C>T]CTAACCAAGGATGCAAATTGGATGCTATCAAGGTATTCTGTAATATGGAAACTGGGGAAA-3'
Protein context (NP_000081.2, residues 1271-1291): ELKSGEYWVD[Pro1281Ser]NQGCKLDAIK